The following is an entry in ClinVar:

ClinVar aggregate classification (germline): Uncertain significance. Review status: criteria provided, multiple submitters, no conflicts (2 of 4 stars). 5 submissions from 5 submitters: Uncertain significance (4). 1 of the submissions does not count toward it. Last evaluated 2025-03-24.

Conditions:
Niemann-Pick disease, type A. Also called: SPHINGOMYELIN LIPIDOSIS; SPHINGOMYELINASE DEFICIENCY; Infantile Neurovisceral ASMD (Niemann-Pick Disease Type A; NPD-A). Identifiers: Orphanet 77292, MedGen C0268242, MONDO:0009756, OMIM 257200. Disease mechanism: loss of function.
Niemann-Pick disease, type B. Also called: Chronic Visceral ASMD (Niemann-Pick Disease Type B; NPD-B). Identifiers: Orphanet 77293, MedGen C0268243, MONDO:0011871, OMIM 607616. Disease mechanism: loss of function.

Allele frequency attached by ClinVar (database versions not stated): TOPMed below 0.00001; ExAC 0.00001; gnomAD exomes 0.00001 and 0.00002.

Submissions (5):

Women's Health and Genetics/Laboratory Corporation of America, LabCorp
Classification: Uncertain significance. Last evaluated: 2025-03-24. Review status: criteria provided, single submitter. Criteria: LabCorp Variant Classification Summary - May 2015. Collection method: clinical testing. Allele origin: germline.
Comment: Variant summary: SMPD1 c.1660G>A (p.Ala554Thr) results in a non-conservative amino acid change in the encoded protein sequence. Four of four in-silico tools predict a damaging effect of the variant on protein function. The variant allele was found at a frequency of 1.2e-05 in 251482 control chromosomes. The available data on variant occurrences in the general population are insufficient to allow any conclusion about variant significance. To our knowledge, no occurrence of c.1660G>A in individuals affected with Niemann-Pick Disease and no experimental evidence demonstrating its impact on protein function have been reported. ClinVar contains an entry for this variant (Variation ID: 877136). Based on the evidence outlined above, the variant was classified as uncertain significance.

GeneDx
Classification: Uncertain significance. Last evaluated: 2025-03-14. Review status: criteria provided, single submitter. Criteria: GeneDx Variant Classification Process June 2021. Collection method: clinical testing. Allele origin: germline. Affected: yes.
Comment: Not observed at significant frequency in large population cohorts (gnomAD); In silico analysis indicates that this missense variant does not alter protein structure/function; This variant is associated with the following publications: (PMID: 29140481)

Labcorp Genetics (formerly Invitae), Labcorp
Classification: Uncertain significance for Niemann-Pick disease, type B; Niemann-Pick disease, type A. Last evaluated: 2021-09-01. Review status: criteria provided, single submitter. Criteria: Invitae Variant Classification Sherloc (09022015). Collection method: clinical testing. Allele origin: germline.
Comment: This sequence change replaces alanine with threonine at codon 554 of the SMPD1 protein (p.Ala554Thr). The alanine residue is weakly conserved and there is a small physicochemical difference between alanine and threonine. This variant is present in population databases (rs758811926, ExAC 0.009%). This variant has not been reported in the literature in individuals affected with SMPD1-related conditions. Algorithms developed to predict the effect of missense changes on protein structure and function output the following: SIFT: "Tolerated"; PolyPhen-2: "Benign"; Align-GVGD: "Class C0". The threonine amino acid residue is found in multiple mammalian species, which suggests that this missense change does not adversely affect protein function. In summary, the available evidence is currently insufficient to determine the role of this variant in disease. Therefore, it has been classified as a Variant of Uncertain Significance.

Illumina Laboratory Services, Illumina
Classification: Uncertain significance for Niemann-Pick disease, type A. Last evaluated: 2018-01-13. Review status: criteria provided, single submitter. Criteria: ICSL Variant Classification Criteria 13 December 2019. Collection method: clinical testing. Allele origin: germline.

Natera, Inc.
Classification: Uncertain significance for Niemann-Pick Disease, Types A/B. Last evaluated: 2020-08-31. Review status: no assertion criteria provided. Collection method: clinical testing. Allele origin: germline. Not counted in ClinVar's aggregate classification.

NM_000543.5(SMPD1):c.1660G>A (p.Ala554Thr)

Gene: SMPD1 (sphingomyelin phosphodiesterase 1; plus strand). Cytogenetic location: 11p15.4.
Variant type: single nucleotide variant.
Coding change: c.1660G>A on transcript NM_000543.5 (MANE Select); coding-DNA position 1660, G replaced by A.
Protein change: p.Ala554Thr; replaces alanine 554 with threonine.
Molecular consequence: missense variant. On other transcripts: 3 prime UTR variant (1), non-coding transcript variant (2).
Genome position (GRCh38, 1-based): chr11:6,394,371, G>A. VCF-style: chr11-6394371-G-A. GRCh37 (hg19) VCF-style: chr11-6415601-G-A.
Other names: c.1657G>A, p.Ala553Thr (NM_001007593.3); c.*153G>A (NM_001318087.2); c.739G>A, p.Ala247Thr (NM_001318088.2); c.1528G>A, p.Ala510Thr (NM_001365135.2); short protein forms A247T, A553T, A554T, A510T.
Identifiers: ClinVar variation 877136 (VCV000877136.15), dbSNP rs758811926, ClinGen allele CA5852957.